The following is an entry in ClinVar:

ClinVar aggregate classification (germline): Uncertain significance (1 of 4 stars; one submission).

Conditions:
Inborn genetic diseases. Identifiers: MedGen C0950123, MeSH D030342.

Submission:

Ambry Genetics
Classification: Uncertain significance for Inborn genetic diseases. Last evaluated: 2026-02-16. Review status: criteria provided, single submitter. Criteria: Ambry Variant Classification Scheme 2023. Collection method: clinical testing. Allele origin: germline.
Comment: The p.D1407H variant (also known as c.4219G>C), located in coding exon 30 of the ANKRD26 gene, results from a G to C substitution at nucleotide position 4219. The aspartic acid at codon 1407 is replaced by histidine, an amino acid with similar properties. This amino acid position is conserved. In addition, this alteration is predicted to be tolerated by in silico analysis. Based on the available evidence, the clinical significance of this variant remains unclear.

NM_014915.3(ANKRD26):c.4219G>C (p.Asp1407His)

Gene: ANKRD26 (ankyrin repeat domain 26; minus strand). Cytogenetic location: 10p12.1.
Variant type: single nucleotide variant.
Coding change: c.4219G>C on transcript NM_014915.3 (MANE Select); coding-DNA position 4219, G replaced by C.
Protein change: p.Asp1407His; replaces aspartic acid 1407 with histidine.
Molecular consequence: missense variant.
Genome position (GRCh38, 1-based): chr10:27,017,789, C>G on the plus strand (G>C on the coding strand, the complement: ANKRD26 is on the minus strand). VCF-style: chr10-27017789-C-G. GRCh37 (hg19) VCF-style: chr10-27306718-C-G.
Other names: c.4216G>C, p.Asp1406His (NM_001256053.2); short protein forms D1406H, D1407H.
Identifiers: ClinVar variation 4845149 (VCV004845149.1).